The following is an entry in ClinVar:

NM_031421.5(ODAD4):c.1802T>C (p.Leu601Pro)

Gene: ODAD4 (outer dynein arm docking complex subunit 4; plus strand). Cytogenetic location: 17q21.2.
Variant type: single nucleotide variant.
Coding change: c.1802T>C on transcript NM_031421.5 (MANE Select); coding-DNA position 1802, T replaced by C.
Protein change: p.Leu601Pro; replaces leucine 601 with proline.
Molecular consequence: missense variant. On other transcripts: 3 prime UTR variant (1), non-coding transcript variant (3).
Genome position (GRCh38, 1-based): chr17:41,965,266, T>C. VCF-style: chr17-41965266-T-C. GRCh37 (hg19) VCF-style: chr17-40117284-T-C.
Other names: c.*258T>C (NM_001350319.2); short protein forms L601P.
Identifiers: ClinVar variation 3034680 (VCV003034680.2), dbSNP rs184299114, ClinGen allele CA8569386.
Genomic context (GRCh38, chr17:41,965,266, plus strand): 5'-TTGCCAAGGGCCTGTCAGGAGAATTAGGCACAAGATCAGGAGAAACAGGCAGGAAGCTAC[T>C]AGAAGCTGGCAGAAGAGAGTCAAGAGAAATTTATAGGAGGCCTTCGGGAGAATTAGAGCA-3'
Protein context (NP_113609.1, residues 591-611): TRSGETGRKL[Leu601Pro]EAGRRESREI

ClinVar aggregate classification (germline): Likely benign (0 of 4 stars; one submission).

Conditions:
ODAD4-related disorder. Also called: ODAD4-related condition.

Allele frequency attached by ClinVar (database versions not stated): gnomAD exomes 0.00024; ExAC 0.00049; ESP Exome Variant Server 0.00100; gnomAD 0.00125; TOPMed 0.00137; 1000 Genomes Project 0.00140; 1000 Genomes Project 30x 0.00141.
gnomAD v4.1: 359 of 778,720 alleles (0.046%); highest among the groups gnomAD compares: African/African-American, 0.37%; 1 homozygote.

Submission:

PreventionGenetics, part of Exact Sciences
Classification: Likely benign for ODAD4-related condition. Last evaluated: 2023-01-30. Review status: no assertion criteria provided. Collection method: clinical testing. Allele origin: germline.
Comment: This variant is classified as likely benign based on ACMG/AMP sequence variant interpretation guidelines (Richards et al. 2015 PMID: 25741868, with internal and published modifications).